The following is an entry in ClinVar:

NM_001931.5(DLAT):c.1806_1808dup (p.Asn602_Glu603insAsp)

Genes: DLAT (dihydrolipoamide S-acetyltransferase; plus strand), PIH1D2 (PIH1 domain containing 2; minus strand). Cytogenetic location: 11q23.1.
Variant type: Duplication.
Coding change: c.1806_1808dup on transcript NM_001931.5 (MANE Select); coding-DNA positions 1806 to 1808, 3 bases duplicated (TGA; older notation c.1806_1808dupTGA).
Protein change: p.Asn602_Glu603insAsp.
Molecular consequence: inframe insertion. On other transcripts: non-coding transcript variant (1).
Genome position (GRCh38, 1-based): chr11:112,061,166-112,061,168, TGA duplicated; duplicating any 3 consecutive bases within chr11:112,061,165-112,061,168 gives the same sequence; the c. name uses the placement nearest the transcript's 3' end. VCF-style (leftmost placement, unchanged base first): chr11-112061164-A-AATG. GRCh37 (hg19) VCF-style: chr11-111931888-A-AATG.
Other names: c.1824_1826dup, p.Asn608_Glu609insAsp (NM_001372031.1); c.1800_1802dup, p.Asn600_Glu601insAsp (NM_001372032.1); c.1785_1787dup, p.Asn595_Glu596insAsp (NM_001372033.1); c.1773_1775dup, p.Asn591_Glu592insAsp (NM_001372034.1); c.1698_1700dup, p.Asn566_Glu567insAsp (NM_001372035.1); c.1680_1682dup, p.Asn560_Glu561insAsp (NM_001372036.1); c.1638_1640dup, p.Asn546_Glu547insAsp (NM_001372037.1); c.1527_1529dup, p.Asn509_Glu510insAsp (NM_001372038.1); and 4 more.
Identifiers: ClinVar variation 1506554 (VCV001506554.6), dbSNP rs1864595330, ClinGen allele CA942275600.
Genomic context (GRCh38, chr11:112,061,164, plus strand): 5'-CCACCTCAAGCATGTATTTTGGCAATTGGTGCTTCAGAGGATAAACTGGTCCCTGCAGAT[A>AATG]ATGAAAAAGGGTAAGTGCCAAAATGGAGGGGAAGTCGTAAGCTAATTTTTATTACACTGT-3'

ClinVar aggregate classification (germline): Uncertain significance (1 of 4 stars; one submission).

Conditions:
Pyruvate dehydrogenase E2 deficiency (PDHDD). Also called: LACTIC ACIDEMIA DUE TO DEFECT OF E2 LIPOYL TRANSACETYLASE OF THE PYRUVATE DEHYDROGENASE COMPLEX; Dihydrolipoamide Acetyltransferase (E2) Deficiency. Identifiers: Orphanet 765, Orphanet 79244, MedGen C1855565, MONDO:0009502, OMIM 245348.

Submission:

Labcorp Genetics (formerly Invitae), Labcorp
Classification: Uncertain significance for Pyruvate dehydrogenase E2 deficiency. Last evaluated: 2021-11-01. Review status: criteria provided, single submitter. Criteria: Invitae Variant Classification Sherloc (09022015). Collection method: clinical testing. Allele origin: germline.
Comment: In summary, the available evidence is currently insufficient to determine the role of this variant in disease. Therefore, it has been classified as a Variant of Uncertain Significance. This variant has not been reported in the literature in individuals affected with DLAT-related conditions. This variant is not present in population databases (gnomAD no frequency). This variant, c.1806_1808dup, results in the insertion of 1 amino acid(s) of the DLAT protein (p.Asn602_Glu603insAsp), but otherwise preserves the integrity of the reading frame.